The following is an entry in ClinVar:

ClinVar aggregate classification (germline): Uncertain significance (1 of 4 stars; one submission).

Conditions:
Intellectual disability, autosomal recessive 42 (NEDDSBA). Also called: GLYCOSYLPHOSPHATIDYLINOSITOL BIOSYNTHESIS DEFECT 9; Neurodevelopmental disorder with dysmorphic features, spasticity, and brain abnormalities. Identifiers: Orphanet 88616, MedGen C4014343, MONDO:0014348, OMIM 615802.

Allele frequency attached by ClinVar (database versions not stated): gnomAD exomes below 0.00001; ExAC 0.00002; TOPMed 0.00002.
gnomAD v4.1: 8 of 1,595,276 alleles (0.0005%); highest among the groups gnomAD compares: Admixed American, 0.012%; no homozygotes.

Submission:

Labcorp Genetics (formerly Invitae), Labcorp
Classification: Uncertain significance for Intellectual disability, autosomal recessive 42. Last evaluated: 2022-08-16. Review status: criteria provided, single submitter. Criteria: Invitae Variant Classification Sherloc (09022015). Collection method: clinical testing. Allele origin: germline.
Comment: This sequence change replaces serine, which is neutral and polar, with phenylalanine, which is neutral and non-polar, at codon 791 of the PGAP1 protein (p.Ser791Phe). This variant is present in population databases (rs750489381, gnomAD 0.02%). This variant has not been reported in the literature in individuals affected with PGAP1-related conditions. Algorithms developed to predict the effect of missense changes on protein structure and function are either unavailable or do not agree on the potential impact of this missense change (SIFT: "Deleterious"; PolyPhen-2: "Benign"; Align-GVGD: "Class C35"). In summary, the available evidence is currently insufficient to determine the role of this variant in disease. Therefore, it has been classified as a Variant of Uncertain Significance.

NM_024989.4(PGAP1):c.2372C>T (p.Ser791Phe)

Gene: PGAP1 (post-GPI attachment to proteins inositol deacylase 1; minus strand). Cytogenetic location: 2q33.1.
Variant type: single nucleotide variant.
Coding change: c.2372C>T on transcript NM_024989.4 (MANE Select); coding-DNA position 2372, C replaced by T.
Protein change: p.Ser791Phe; replaces serine 791 with phenylalanine.
Molecular consequence: missense variant.
Genome position (GRCh38, 1-based): chr2:196,844,041, G>A on the plus strand (C>T on the coding strand, the complement: PGAP1 is on the minus strand). VCF-style: chr2-196844041-G-A. GRCh37 (hg19) VCF-style: chr2-197708765-G-A.
Other names: c.1850C>T, p.Ser617Phe (NM_001321099.2); c.1205C>T, p.Ser402Phe (NM_001321100.2); short protein forms S791F, S402F, S617F.
Identifiers: ClinVar variation 2167353 (VCV002167353.1), dbSNP rs750489381, ClinGen allele CA2040640.